The following is an entry in ClinVar:

ClinVar aggregate classification (germline): Likely benign (1 of 4 stars; one submission).

gnomAD v4.1: 14 of 1,613,984 alleles (0.00087%); highest among the groups gnomAD compares: Admixed American, 0.0033%; no homozygotes.

Submission:

Mayo Clinic Laboratories, Mayo Clinic
Classification: Likely benign. Last evaluated: 2025-05-20. Review status: criteria provided, single submitter. Criteria: ACMG Guidelines, 2015. Collection method: clinical testing. Allele origin: germline. Observed: 1 variant allele.
Comment: BP4, BP7

NM_198834.3(ACACA):c.6720C>T (p.Ser2240=)

Gene: ACACA (acetyl-CoA carboxylase alpha; minus strand). Cytogenetic location: 17q12.
Variant type: single nucleotide variant.
Coding change: c.6720C>T on transcript NM_198834.3 (MANE Select); coding-DNA position 6720, C replaced by T.
Protein change: p.Ser2240=; no amino-acid change (serine 2240 retained).
Molecular consequence: synonymous variant.
Genome position (GRCh38, 1-based): chr17:37,097,830, G>A on the plus strand (C>T on the coding strand, the complement: ACACA is on the minus strand). VCF-style: chr17-37097830-G-A. GRCh37 (hg19) VCF-style: chr17-35454765-G-A.
Other names: p.Ser2203=; c.6609C>T, p.Ser2203= (NM_198836.3, NM_198839.3); c.6435C>T, p.Ser2145= (NM_198837.2); c.6375C>T, p.Ser2125= (NM_198838.2).
Identifiers: ClinVar variation 4684202 (VCV004684202.1).
Genomic context (GRCh38, chr17:37,097,830, plus strand): 5'-ACACACACACACTTGCCCACATGTGGGCCTCTGACAAGAAGTGGCAACCATTGTACTTAC[G>A]CTAATAACACCCTTCTCCTGCATCCGGCCTGGTGTGTCGTGCAAGTCAGCAAACTGCACG-3'
Protein context (NP_942131.1, residues 2230-2250): PGRMQEKGVI[Ser2240=]DILDWKTSRT